The following is an entry in ClinVar:

ClinVar aggregate classification (germline): Uncertain significance (1 of 4 stars; one submission).

gnomAD v4.1: 7 of 1,613,942 alleles (0.00043%); highest among the groups gnomAD compares: African/African-American, 0.004%; no homozygotes.

Submission:

Dasa
Classification: Uncertain significance. Last evaluated: 2026-05-03. Review status: criteria provided, single submitter. Criteria: DASA Assertion Criteria. Collection method: clinical testing. Allele origin: germline.
Comment: NM_014159.7(SETD2):c.6326G>A (p.Arg2109Gln) is a missense variant that results in the substitution of arginine with glutamine. This variant is rare in population databases. The currently available literature and clinical evidence are not sufficient to establish a definitive association between this variant and the reported condition. Therefore, this variant is classified as a variant of uncertain significance.

NM_014159.7(SETD2):c.6326G>A (p.Arg2109Gln)

Gene: SETD2 (SET domain containing 2, histone lysine methyltransferase; minus strand). Cytogenetic location: 3p21.31.
Variant type: single nucleotide variant.
Coding change: c.6326G>A on transcript NM_014159.7 (MANE Select); coding-DNA position 6326, G replaced by A.
Protein change: p.Arg2109Gln; replaces arginine 2109 with glutamine.
Molecular consequence: missense variant. On other transcripts: non-coding transcript variant (1).
Genome position (GRCh38, 1-based): chr3:47,057,458, C>T on the plus strand (G>A on the coding strand, the complement: SETD2 is on the minus strand). VCF-style: chr3-47057458-C-T. GRCh37 (hg19) VCF-style: chr3-47098948-C-T.
Other names: c.6194G>A, p.Arg2065Gln (NM_001349370.3); short protein forms R2065Q, R2109Q.
Identifiers: ClinVar variation 5020640 (VCV005020640.1).
Genomic context (GRCh38, chr3:47,057,458, plus strand): 5'-ACCTCTTGCTCAAACAACTTCCGGCGTTCCTCTGTAGAAAGTTTATTGCGGTCTTTAATT[C>T]GTACTTTCTTTTTAGAAGTTGGTGTATCATATCTAGAAAGAAAATAAGGACCACAAAAAG-3'
Protein context (NP_054878.5, residues 2099-2119): YDTPTSKKKV[Arg2109Gln]IKDRNKLSTE